The following is an entry in ClinVar:

ClinVar aggregate classification (germline): Uncertain significance. Review status: criteria provided, multiple submitters, no conflicts (2 of 4 stars). 3 submissions from 3 submitters: Uncertain significance (3). Last evaluated 2025-12-05.

Conditions:
Hereditary cancer-predisposing syndrome. Also called: Neoplastic Syndromes, Hereditary; Tumor predisposition; Hereditary Cancer Syndrome; Hereditary neoplastic syndrome. Identifiers: Orphanet 140162, MedGen C0027672, MeSH D009386, MONDO:0015356.
Hereditary nonpolyposis colorectal neoplasms. Identifiers: MedGen C0009405, MeSH D003123.

Submissions (3):

Ambry Genetics
Classification: Uncertain significance for Hereditary cancer-predisposing syndrome. Last evaluated: 2025-12-05. Review status: criteria provided, single submitter. Criteria: Ambry Variant Classification Scheme 2023. Collection method: clinical testing. Allele origin: germline.
Comment: The c.4016_4068dup53 variant, located in coding exon 10 of the MSH6 gene, results from a duplication of CTAGTGAAAGGTCAACTGTAGATGCTGAAGCTGTCCATAAATTGCTGACTTTG at nucleotide position 4016, causing a translational frameshift with a predicted alternate stop codon (p.I1357Lfs*7). This alteration occurs at the 3' terminus of the gene, is not expected to trigger nonsense-mediated mRNAdecay and results in the elongation of the protein by 3 amino acids. This frameshift impacts the last4 amino acids of the native protein. The exact functional effect of the altered amino acids is unknown. Based on the available evidence, the clinical significance of this variant remains unclear.

Labcorp Genetics (formerly Invitae), Labcorp
Classification: Uncertain significance for Hereditary nonpolyposis colorectal neoplasms. Last evaluated: 2023-12-18. Review status: criteria provided, single submitter. Criteria: Invitae Variant Classification Sherloc (09022015). Collection method: clinical testing. Allele origin: germline.
Comment: This sequence change results in a frameshift in the MSH6 gene (p.Ile1357Leufs*7). While this is not anticipated to result in nonsense mediated decay, it is expected to disrupt the last 4 amino acid(s) of the MSH6 protein and extend the protein by 2 additional amino acid residues. This variant is not present in population databases (gnomAD no frequency). This frameshift has been observed in individual(s) with colon cancer (PMID: 26837502). ClinVar contains an entry for this variant (Variation ID: 921115). In summary, the available evidence is currently insufficient to determine the role of this variant in disease. Therefore, it has been classified as a Variant of Uncertain Significance.

Color Diagnostics, LLC DBA Color Health
Classification: Uncertain significance for Hereditary cancer-predisposing syndrome. Last evaluated: 2020-03-16. Review status: criteria provided, single submitter. Criteria: ACMG Guidelines, 2015. Collection method: clinical testing. Allele origin: germline.
Comment: This variant inserts 53 nucleotides in exon 10 of the MSH6 gene, creating a frameshift and premature translation stop signal. To our knowledge, experimental functional studies have not been reported for this variant. This variant has been reported in an individual affected with colon cancer in the literature (PMID: 26837502). This variant has not been identified in the general population by the Genome Aggregation Database (gnomAD). The available evidence is insufficient to determine the role of this variant in disease conclusively. Therefore, this variant is classified as a Variant of Uncertain Significance.

Literature cited by the submitters: PubMed 26837502 (cited by Labcorp Genetics (formerly Invitae), Labcorp).

NM_000179.3(MSH6):c.4016_4068dup (p.Ile1357delinsLeuValLysGlyGlnLeuTer)

Gene: MSH6 (mutS homolog 6; plus strand). Cytogenetic location: 2p16.3.
Variant type: Duplication.
Coding change: c.4016_4068dup on transcript NM_000179.3 (MANE Select); coding-DNA positions 4016 to 4068, 53 bases duplicated.
Protein change: p.Ile1357delinsLeuValLysGlyGlnLeuTer.
Molecular consequence: nonsense.
Genome position (GRCh38, 1-based): chr2:47,806,793-47,806,845, 53 bases duplicated. GRCh37 (hg19): chr2:48,033,932-48,033,984.
Other names: c.3626_3678dup, p.Ile1227delinsLeuValLysGlyGlnLeuTer (NM_001281492.2); c.3110_3162dup, p.Ile1055delinsLeuValLysGlyGlnLeuTer (NM_001281493.2, NM_001281494.2); c.4016_4068dupCTAGTGAAAGGTCAACTGTAGATGCTGAAGCTGTCCATAAATTGCTGACTTTG (NM_000179.2).
Identifiers: ClinVar variation 921115 (VCV000921115.12), dbSNP rs1670211088, ClinGen allele CA1139656994.